The following is an entry in ClinVar:

NM_002473.6(MYH9):c.1176G>A (p.Pro392=)

Gene: MYH9 (myosin heavy chain 9; minus strand). Cytogenetic location: 22q12.3.
Variant type: single nucleotide variant.
Coding change: c.1176G>A on transcript NM_002473.6 (MANE Select); coding-DNA position 1176, G replaced by A.
Protein change: p.Pro392=; no amino-acid change (proline 392 retained).
Molecular consequence: synonymous variant.
Genome position (GRCh38, 1-based): chr22:36,318,258, C>T on the plus strand (G>A on the coding strand, the complement: MYH9 is on the minus strand). VCF-style: chr22-36318258-C-T. GRCh37 (hg19) VCF-style: chr22-36714303-C-T.
Identifiers: ClinVar variation 226750 (VCV000226750.17), dbSNP rs143316848, ClinGen allele CA10210360.

ClinVar aggregate classification (germline): Benign/Likely benign. Review status: criteria provided, multiple submitters, no conflicts (2 of 4 stars). 8 submissions from 7 submitters: Benign (3); Likely benign (5). Last evaluated 2025-12-03.

Conditions:
MYH9-related disorder. Identifiers: MedGen C1854520.
Autosomal dominant nonsyndromic hearing loss 17. Also called: Autosomal dominant nonsyndromic deafness 17; Deafness, autosomal dominant 17. Identifiers: Orphanet 90635, MedGen C1863659, MONDO:0011350, OMIM 603622.

Allele frequency attached by ClinVar (database versions not stated): 1000 Genomes Project 30x 0.00031; 1000 Genomes Project 0.00040; gnomAD exomes 0.00047; ExAC 0.00050; gnomAD 0.00107 and 0.00121; ESP Exome Variant Server 0.00123; TOPMed 0.00137.
gnomAD v4.1: 465 of 1,613,762 alleles (0.029%); highest among the groups gnomAD compares: African/African-American, 0.45%; 1 homozygote.

Submissions (8):

Labcorp Genetics (formerly Invitae), Labcorp
Classification: Benign. Last evaluated: 2025-12-03. Review status: criteria provided, single submitter. Criteria: Invitae Variant Classification Sherloc (09022015). Collection method: clinical testing. Allele origin: germline.

Blueprint Genetics
Classification: Likely benign. Last evaluated: 2023-11-28. Review status: criteria provided, single submitter. Criteria: ACMG Guidelines, 2015. Collection method: clinical testing. Allele origin: germline.

GeneDx
Classification: Likely benign. Last evaluated: 2020-09-24. Review status: criteria provided, single submitter. Criteria: GeneDx Variant Classification Process June 2021. Collection method: clinical testing. Allele origin: germline. Affected: yes.

Illumina Laboratory Services, Illumina
Classification: Benign for MYH9-related disorder. Last evaluated: 2018-01-12. Review status: criteria provided, single submitter. Criteria: ICSL Variant Classification Criteria 13 December 2019. Collection method: clinical testing. Allele origin: germline.
Comment: This variant was observed in the ICSL laboratory as part of a predisposition screen in an ostensibly healthy population. It had not been previously curated by ICSL or reported in the Human Gene Mutation Database (HGMD: prior to June 1st, 2018), and was therefore a candidate for classification through an automated scoring system. Utilizing variant allele frequency, disease prevalence and penetrance estimates, and inheritance mode, an automated score was calculated to assess if this variant is too frequent to cause the disease. Based on the score and internal cut-off values, a variant classified as benign is not then subjected to further curation. The score for this variant resulted in a classification of benign for this disease.

Illumina Laboratory Services, Illumina
Classification: Likely benign for Autosomal dominant nonsyndromic hearing loss 17. Last evaluated: 2018-01-12. Review status: criteria provided, single submitter. Criteria: ICSL Variant Classification Criteria 13 December 2019. Collection method: clinical testing. Allele origin: germline.
Comment: This variant was observed in the ICSL laboratory as part of a predisposition screen in an ostensibly healthy population. It had not been previously curated by ICSL or reported in the Human Gene Mutation Database (HGMD: prior to June 1st, 2018), and was therefore a candidate for classification through an automated scoring system. Utilizing variant allele frequency, disease prevalence and penetrance estimates, and inheritance mode, an automated score was calculated to assess if this variant is too frequent to cause the disease. Based on the score and internal cut-off values, a variant classified as likely benign is not then subjected to further curation. The score for this variant resulted in a classification of likely benign for this disease.

Laboratory for Molecular Medicine, Mass General Brigham Personalized Medicine
Classification: Benign. Last evaluated: 2015-02-18. Review status: criteria provided, single submitter. Criteria: LMM Criteria. Collection method: clinical testing. Allele origin: germline. Observed: 2 variant alleles.
Comment: p.Pro392Pro in exon 11 of MYH9: This variant is not expected to have clinical si gnificance because it does not alter an amino acid residue, is not located withi n the splice consensus sequence, and has been identified in 0.4% (39/10364) of A frican chromosomes by the Exome Aggregation Consortium (ExAC; dbSNP rs143316848).

Breakthrough Genomics
Classification: Likely benign. Review status: criteria provided, single submitter. Criteria: ACMG Guidelines, 2015. Collection method: not provided. Allele origin: germline. Inheritance: Autosomal dominant inheritance. Affected: yes.

PreventionGenetics, part of Exact Sciences
Classification: Likely benign. Review status: criteria provided, single submitter. Criteria: ACMG Guidelines, 2015. Collection method: clinical testing. Allele origin: germline.